The following is an entry in ClinVar:

ClinVar aggregate classification (germline): Uncertain significance. Review status: criteria provided, multiple submitters, no conflicts (2 of 4 stars). 2 submissions from 2 submitters: Uncertain significance (2). Last evaluated 2025-08-09.

Conditions:
Inborn genetic diseases. Identifiers: MedGen C0950123, MeSH D030342.
Diffuse cerebral and cerebellar atrophy - intractable seizures - progressive microcephaly syndrome. Also called: Microcephaly, progressive, with seizures and cerebral and cerebellar atrophy. Identifiers: Orphanet 404437, MedGen C4014239, MONDO:0014335, OMIM 615760.

Allele frequency attached by ClinVar (database versions not stated): TOPMed below 0.00001; gnomAD 0.00001; gnomAD exomes 0.00001; ExAC 0.00002.
gnomAD v4.1: 16 of 1,614,044 alleles (0.00099%); highest among the groups gnomAD compares: South Asian, 0.0044%; no homozygotes.

Submissions (2):

Ambry Genetics
Classification: Uncertain significance for Inborn genetic diseases. Last evaluated: 2025-08-09. Review status: criteria provided, single submitter. Criteria: Ambry Variant Classification Scheme 2023. Collection method: clinical testing. Allele origin: germline.

Labcorp Genetics (formerly Invitae), Labcorp
Classification: Uncertain significance for Diffuse cerebral and cerebellar atrophy - intractable seizures - progressive microcephaly syndrome. Last evaluated: 2021-09-01. Review status: criteria provided, single submitter. Criteria: Invitae Variant Classification Sherloc (09022015). Collection method: clinical testing. Allele origin: germline.
Comment: This sequence change replaces valine with methionine at codon 751 of the QARS protein (p.Val751Met). The valine residue is moderately conserved and there is a small physicochemical difference between valine and methionine. This variant is present in population databases (rs781617872, ExAC 0.006%). This variant has not been reported in the literature in individuals affected with QARS-related conditions. Algorithms developed to predict the effect of missense changes on protein structure and function are either unavailable or do not agree on the potential impact of this missense change (SIFT: "Deleterious"; PolyPhen-2: "Benign"; Align-GVGD: "Class C0"). In summary, the available evidence is currently insufficient to determine the role of this variant in disease. Therefore, it has been classified as a Variant of Uncertain Significance.

NM_005051.3(QARS1):c.2251G>A (p.Val751Met)

Gene: QARS1 (glutaminyl-tRNA synthetase 1; minus strand). Cytogenetic location: 3p21.31.
Variant type: single nucleotide variant.
Coding change: c.2251G>A on transcript NM_005051.3 (MANE Select); coding-DNA position 2251, G replaced by A.
Protein change: p.Val751Met; replaces valine 751 with methionine.
Molecular consequence: missense variant. On other transcripts: non-coding transcript variant (1).
Genome position (GRCh38, 1-based): chr3:49,098,018, C>T on the plus strand (G>A on the coding strand, the complement: QARS1 is on the minus strand). VCF-style: chr3-49098018-C-T. GRCh37 (hg19) VCF-style: chr3-49135451-C-T.
Other names: c.2218G>A, p.Val740Met (NM_001272073.2); c.2251G>A (NM_005051.1); short protein forms V751M, V740M.
Identifiers: ClinVar variation 863168 (VCV000863168.5), dbSNP rs781617872, ClinGen allele CA2391469.